The following is an entry in ClinVar:

NM_032380.5(GFM2):c.229G>T (p.Ala77Ser)

Gene: GFM2 (GTP dependent ribosome recycling factor mitochondrial 2; minus strand). Cytogenetic location: 5q13.3.
Variant type: single nucleotide variant.
Coding change: c.229G>T on transcript NM_032380.5 (MANE Select); coding-DNA position 229, G replaced by T.
Protein change: p.Ala77Ser; replaces alanine 77 with serine.
Molecular consequence: missense variant. On other transcripts: non-coding transcript variant (1).
Genome position (GRCh38, 1-based): chr5:74,758,924, C>A on the plus strand (G>T on the coding strand, the complement: GFM2 is on the minus strand). VCF-style: chr5-74758924-C-A. GRCh37 (hg19) VCF-style: chr5-74054749-C-A.
Other names: c.325G>T, p.Ala109Ser (NM_001281302.2); c.229G>T, p.Ala77Ser (NM_170681.3, NM_170691.3); short protein forms A109S, A77S.
Identifiers: ClinVar variation 3099459 (VCV003099459.3), dbSNP rs772685304, ClinGen allele CA3306878.

ClinVar aggregate classification (germline): Uncertain significance. Review status: criteria provided, multiple submitters, no conflicts (2 of 4 stars). 2 submissions from 2 submitters: Uncertain significance (2). Last evaluated 2025-03-16.

Conditions:
Inborn genetic diseases. Identifiers: MedGen C0950123, MeSH D030342.

Allele frequency attached by ClinVar (database versions not stated): gnomAD exomes below 0.00001; ExAC 0.00002.
gnomAD v4.1: 6 of 1,606,086 alleles (0.00037%); highest among the groups gnomAD compares: Non-Finnish European, 0.00051%; no homozygotes.

Submissions (2):

Labcorp Genetics (formerly Invitae), Labcorp
Classification: Uncertain significance. Last evaluated: 2025-03-16. Review status: criteria provided, single submitter. Criteria: Invitae Variant Classification Sherloc (09022015). Collection method: clinical testing. Allele origin: germline.
Comment: This sequence change replaces alanine, which is neutral and non-polar, with serine, which is neutral and polar, at codon 77 of the GFM2 protein (p.Ala77Ser). This variant is present in population databases (rs772685304, gnomAD 0.002%). This variant has not been reported in the literature in individuals affected with GFM2-related conditions. ClinVar contains an entry for this variant (Variation ID: 3099459). Invitae Evidence Modeling of protein sequence and biophysical properties (such as structural, functional, and spatial information, amino acid conservation, physicochemical variation, residue mobility, and thermodynamic stability) indicates that this missense variant is not expected to disrupt GFM2 protein function with a negative predictive value of 80%. Algorithms developed to predict the effect of sequence changes on RNA splicing suggest that this variant may disrupt the consensus splice site. In summary, the available evidence is currently insufficient to determine the role of this variant in disease. Therefore, it has been classified as a Variant of Uncertain Significance.

Ambry Genetics
Classification: Uncertain significance for Inborn genetic diseases. Last evaluated: 2024-03-04. Review status: criteria provided, single submitter. Criteria: Ambry Variant Classification Scheme 2023. Collection method: clinical testing. Allele origin: germline.